The following is an entry in ClinVar:

NM_000138.5(FBN1):c.3839-311T>C

Gene: FBN1 (fibrillin 1; minus strand). Cytogenetic location: 15q21.1.
Variant type: single nucleotide variant.
Coding change: c.3839-311T>C on transcript NM_000138.5 (MANE Select); 311 bases into the intron before coding-DNA position 3839, T replaced by C.
Molecular consequence: intron variant.
Genome position (GRCh38, 1-based): chr15:48,482,091, A>G on the plus strand (T>C on the coding strand, the complement: FBN1 is on the minus strand). VCF-style: chr15-48482091-A-G. GRCh37 (hg19) VCF-style: chr15-48774288-A-G.
Identifiers: ClinVar variation 680683 (VCV000680683.1), dbSNP rs11634866, ClinGen allele CA14117730.

ClinVar aggregate classification (germline): Benign (1 of 4 stars; one submission).

Allele frequency attached by ClinVar (database versions not stated): TOPMed 0.32628; 1000 Genomes Project 0.34844; 1000 Genomes Project 30x 0.35009.
gnomAD v4.1: 48,193 of 152,062 alleles (32%); highest among the groups gnomAD compares: African/African-American, 47%; 8,410 homozygotes.

Submission:

GeneDx
Classification: Benign. Last evaluated: 2018-06-14. Review status: criteria provided, single submitter. Criteria: GeneDx Variant Classification (06012015). Collection method: clinical testing. Allele origin: germline. Affected: yes.
Comment: This variant is considered likely benign or benign based on one or more of the following criteria: it is a conservative change, it occurs at a poorly conserved position in the protein, it is predicted to be benign by multiple in silico algorithms, and/or has population frequency not consistent with disease.